The following is an entry in ClinVar:

ClinVar aggregate classification (germline): Uncertain significance. Review status: criteria provided, multiple submitters, no conflicts (2 of 4 stars). 2 submissions from 2 submitters: Uncertain significance (2). Last evaluated 2023-08-31.

Conditions:
HLX-related disorder. Also called: HLX-related condition.

Allele frequency attached by ClinVar (database versions not stated): TOPMed 0.00002.

Submissions (2):

PreventionGenetics, part of Exact Sciences
Classification: Uncertain significance for HLX-related condition. Last evaluated: 2023-08-31. Review status: criteria provided, single submitter. Criteria: ACMG Guidelines, 2015. Collection method: clinical testing. Allele origin: germline.
Comment: The HLX c.866A>C variant is predicted to result in the amino acid substitution p.Lys289Thr. To our knowledge, this variant has not been reported in the literature. This variant is reported in 0.0065% of alleles in individuals of European (Non-Finnish) descent in gnomAD. At this time, the clinical significance of this variant is uncertain due to the absence of conclusive functional and genetic evidence.

Ambry Genetics
Classification: Uncertain significance. Last evaluated: 2022-11-07. Review status: criteria provided, single submitter. Criteria: Ambry Variant Classification Scheme 2023. Collection method: clinical testing. Allele origin: germline.

NM_021958.4(HLX):c.866A>C (p.Lys289Thr)

Gene: HLX (H2.0 like homeobox; plus strand). Cytogenetic location: 1q41.
Variant type: single nucleotide variant.
Coding change: c.866A>C on transcript NM_021958.4 (MANE Select); coding-DNA position 866, A replaced by C.
Protein change: p.Lys289Thr; replaces lysine 289 with threonine.
Molecular consequence: missense variant.
Genome position (GRCh38, 1-based): chr1:220,882,257, A>C. VCF-style: chr1-220882257-A-C. GRCh37 (hg19) VCF-style: chr1-221055599-A-C.
Other names: short protein forms K289T.
Identifiers: ClinVar variation 2322682 (VCV002322682.3), dbSNP rs1297023453, ClinGen allele CA344737332.